The following is an entry in ClinVar:

ClinVar aggregate classification (germline): Likely benign (0 of 4 stars; one submission).

Conditions:
SH2B1-related disorder. Also called: SH2B1-related condition.

gnomAD v4.1: 3 of 1,613,758 alleles (0.00019%); highest among the groups gnomAD compares: Admixed American, 0.005%; no homozygotes.

Submission:

PreventionGenetics, part of Exact Sciences
Classification: Likely benign for SH2B1-related condition. Last evaluated: 2021-07-21. Review status: no assertion criteria provided. Collection method: clinical testing. Allele origin: germline.
Comment: This variant is classified as likely benign based on ACMG/AMP sequence variant interpretation guidelines (Richards et al. 2015 PMID: 25741868, with internal and published modifications).

NM_001387430.1(SH2B1):c.531C>T (p.Asp177=)

Gene: SH2B1 (SH2B adaptor protein 1; plus strand). Cytogenetic location: 16p11.2.
Variant type: single nucleotide variant.
Coding change: c.531C>T on transcript NM_001387430.1 (MANE Select); coding-DNA position 531, C replaced by T.
Protein change: p.Asp177=; no amino-acid change (aspartic acid 177 retained).
Molecular consequence: synonymous variant. On other transcripts: intron variant (1).
Genome position (GRCh38, 1-based): chr16:28,866,625, C>T. VCF-style: chr16-28866625-C-T. GRCh37 (hg19) VCF-style: chr16-28877946-C-T.
Other names: c.531C>T, p.Asp177= (NM_001145795.2, NM_001145796.2, NM_001145797.2 and 4 more transcripts); c.-26-749C>T (NM_001308294.2).
Identifiers: ClinVar variation 3357129 (VCV003357129.1).